The following is an entry in ClinVar:

ClinVar aggregate classification (germline): Uncertain significance (1 of 4 stars; one submission).

Conditions:
Hypertrophic cardiomyopathy 14. Identifiers: MedGen C2750467, MONDO:0013197, OMIM 613251.

gnomAD v4.1: 3 of 1,614,124 alleles (0.00019%); highest among the groups gnomAD compares: East Asian, 0.0067%; no homozygotes.

Submission:

Labcorp Genetics (formerly Invitae), Labcorp
Classification: Uncertain significance for Hypertrophic cardiomyopathy 14. Last evaluated: 2024-02-13. Review status: criteria provided, single submitter. Criteria: Invitae Variant Classification Sherloc (09022015). Collection method: clinical testing. Allele origin: germline.
Comment: This sequence change replaces glutamine, which is neutral and polar, with arginine, which is basic and polar, at codon 75 of the MYH6 protein (p.Gln75Arg). This variant is present in population databases (rs761815039, gnomAD 0.006%). This variant has not been reported in the literature in individuals affected with MYH6-related conditions. Advanced modeling of protein sequence and biophysical properties (such as structural, functional, and spatial information, amino acid conservation, physicochemical variation, residue mobility, and thermodynamic stability) performed at Invitae indicates that this missense variant is expected to disrupt MYH6 protein function with a positive predictive value of 80%. In summary, the available evidence is currently insufficient to determine the role of this variant in disease. Therefore, it has been classified as a Variant of Uncertain Significance.

NM_002471.4(MYH6):c.224A>G (p.Gln75Arg)

Genes: MYH6 (myosin heavy chain 6; minus strand), LOC114827851 (VISTA enhancer hs2155; plus strand). Cytogenetic location: 14q11.2.
Variant type: single nucleotide variant.
Coding change: c.224A>G on transcript NM_002471.4 (MANE Select); coding-DNA position 224, A replaced by G.
Protein change: p.Gln75Arg; replaces glutamine 75 with arginine.
Molecular consequence: missense variant.
Genome position (GRCh38, 1-based): chr14:23,405,748, T>C on the plus strand (A>G on the coding strand, the complement: MYH6 is on the minus strand). VCF-style: chr14-23405748-T-C. GRCh37 (hg19) VCF-style: chr14-23874957-T-C.
Other names: short protein forms Q75R.
Identifiers: ClinVar variation 3707970 (VCV003707970.2).